The following is an entry in ClinVar:

NM_004525.3(LRP2):c.13159G>T (p.Gly4387Ter)

Gene: LRP2 (LDL receptor related protein 2; minus strand). Cytogenetic location: 2q31.1.
Variant type: single nucleotide variant.
Coding change: c.13159G>T on transcript NM_004525.3 (MANE Select); coding-DNA position 13159, G replaced by T.
Protein change: p.Gly4387Ter; replaces glycine 4387 with a stop codon.
Molecular consequence: nonsense.
Genome position (GRCh38, 1-based): chr2:169,140,495, C>A on the plus strand (G>T on the coding strand, the complement: LRP2 is on the minus strand). VCF-style: chr2-169140495-C-A. GRCh37 (hg19) VCF-style: chr2-169997005-C-A.
Other names: short protein forms G4387*.
Identifiers: ClinVar variation 2766044 (VCV002766044.3), dbSNP rs555922726, ClinGen allele CA349158011.

ClinVar aggregate classification (germline): Pathogenic (1 of 4 stars; one submission).

Submission:

Labcorp Genetics (formerly Invitae), Labcorp
Classification: Pathogenic. Last evaluated: 2023-10-05. Review status: criteria provided, single submitter. Criteria: Invitae Variant Classification Sherloc (09022015). Collection method: clinical testing. Allele origin: germline.
Comment: This sequence change creates a premature translational stop signal (p.Gly4387*) in the LRP2 gene. It is expected to result in an absent or disrupted protein product. Loss-of-function variants in LRP2 are known to be pathogenic (PMID: 17632512, 25682901). This variant is not present in population databases (gnomAD no frequency). This variant has not been reported in the literature in individuals affected with LRP2-related conditions. For these reasons, this variant has been classified as Pathogenic.

Literature cited by the submitters: PubMed 17632512; PubMed 25682901.